The following is an entry in ClinVar:

ClinVar aggregate classification (germline): Pathogenic. Review status: reviewed by expert panel (3 of 4 stars). 5 submissions from 5 submitters: Pathogenic (1). 4 of the submissions do not count toward it. Last evaluated 2025-02-04.

Conditions:
Hereditary von Willebrand disease. Identifiers: Orphanet 903, MedGen C5703318, MONDO:0019565. Inheritance: Autosomal recessive or Autosomal dominant.
von Willebrand disease type 2 (VWD2). Also called: VWD, TYPE 2; VON WILLEBRAND DISEASE, TYPE 2A/IIE; VON WILLEBRAND DISEASE, TYPE 2CB; VON WILLEBRAND DISEASE, TYPE II. Identifiers: Orphanet 166081, Orphanet 903, MedGen C1264040, MONDO:0013304, OMIM 613554.
Von Willebrand disease type 2B. Identifiers: Orphanet 166087, MedGen C1282971, MONDO:0015629.

Submissions (5):

ClinGen von Willebrand Disease Variant Curation Expert Panel, ClinGen
Classification: Pathogenic for Von Willebrand disease type 2B. Last evaluated: 2025-02-04. Review status: reviewed by expert panel. Criteria: ClinGen VWD 2A B M Rules. Collection method: curation. Allele origin: germline. Inheritance: Autosomal dominant inheritance.
Comment: The NM_000552.5(VWF):c.3925A>G (p.Ile1309Val) missense variant is absent from gnomAD v4.1 (PM2_Supporting). The computational predictor REVEL gives a score of 0.851, which is above the ClinGen VWD VCEP threshold of >0.644 and predicts a damaging effect on VWF function (PP3). The Ile1309Val rVWF resulted in enhanced affinity for the GP1b receptor (PMID: 8621553; PS3). At least 1 patient with this variant displayed excessive mucocutaneous bleeding as well as a laboratory phenotypes of loss of high molecular weight multimers and an assay showing gain of function (enhanced RIPA at 0.3 mg/mL), which together are highly specific for VWD type 2B. (PP4_moderate; PMID: 9308766). This variant has been reported in at least 3 additional type 2B probands with enhanced RIPA reported (PS4_Moderate; PMIDs: 23005922, 18805962, 9198195). The variant has been reported to segregate with VWD type 2B through >2 affected meioses from at least 1 family (PP1; PMID: 18805962). In summary, this variant has been classified as Pathogenic for type 2B Von Willebrand Disease based on the ACMG/AMP criteria applied as specified by the von Willebrand Disease Variant Curation Expert Panel. PM2_supporting, PP3, PS3, PP4_moderate, PS4_moderate, PP1

Quest Diagnostics Nichols Institute San Juan Capistrano
Classification: Pathogenic. Last evaluated: 2020-08-19. Review status: criteria provided, single submitter. Criteria: Quest Diagnostics criteria. Collection method: clinical testing. Allele origin: unknown. Not counted in ClinVar's aggregate classification.
Comment: Not found in the total gnomAD dataset, and the data is high quality. Found in at least one patient with expected phenotype for this gene. Predicted to have a damaging effect on the protein. Assessment of experimental evidence suggests this variant results in abnormal protein function. Segregation with disease in affected and unaffected individuals from a single family.

Angelo Bianchi Bonomi Hemophilia and Thrombosis Center, Fondazione IRCCS Ca Granda Ospedale Maggiore Policlinico
Classification: Likely benign for von Willebrand disease type 2. Last evaluated: 2022-04-26. Review status: no assertion criteria provided. Collection method: clinical testing. Allele origin: germline. Affected: yes. Not counted in ClinVar's aggregate classification.

Clinical Molecular Genetics Laboratory, Johns Hopkins All Children's Hospital
Classification: Pathogenic for von Willebrand disorder. Last evaluated: 2010-02-11. Review status: no assertion criteria provided. Collection method: clinical testing. Allele origin: germline. Affected: yes. Not counted in ClinVar's aggregate classification.

Academic Unit of Haematology, University of Sheffield
No classification provided. Review status: no classification provided. Collection method: not provided. Allele origin: not provided. Not counted in ClinVar's aggregate classification.

Literature cited by the submitters: PubMed 8621553 (cited by Quest Diagnostics Nichols Institute San Juan Capistrano); PubMed 9308766 (cited by Quest Diagnostics Nichols Institute San Juan Capistrano); PubMed 25293780 (cited by Quest Diagnostics Nichols Institute San Juan Capistrano); PubMed 12080112 (cited by Quest Diagnostics Nichols Institute San Juan Capistrano); PubMed 20713003 (cited by Quest Diagnostics Nichols Institute San Juan Capistrano); PubMed 26206100 (cited by Quest Diagnostics Nichols Institute San Juan Capistrano).

NM_000552.5(VWF):c.3925A>G (p.Ile1309Val)

Gene: VWF (von Willebrand factor; minus strand). Cytogenetic location: 12p13.31.
Variant type: single nucleotide variant.
Coding change: c.3925A>G on transcript NM_000552.5 (MANE Select); coding-DNA position 3925, A replaced by G.
Protein change: p.Ile1309Val; replaces isoleucine 1309 with valine.
Molecular consequence: missense variant.
Genome position (GRCh38, 1-based): chr12:6,019,493, T>C on the plus strand (A>G on the coding strand, the complement: VWF is on the minus strand). VCF-style: chr12-6019493-T-C. GRCh37 (hg19) VCF-style: chr12-6128659-T-C.
Other names: NM_000552.5(VWF):c.3925A>G; p.Ile1309Val; short protein forms I1309V.
Identifiers: ClinVar variation 100305 (VCV000100305.4), dbSNP rs61749389, ClinGen allele CA228492.